The following is an entry in ClinVar:

NM_000352.6(ABCC8):c.4410C>T (p.Leu1470=)

Gene: ABCC8 (ATP binding cassette subfamily C member 8; minus strand). Cytogenetic location: 11p15.1.
Variant type: single nucleotide variant.
Coding change: c.4410C>T on transcript NM_000352.6 (MANE Select); coding-DNA position 4410, C replaced by T.
Protein change: p.Leu1470=; no amino-acid change (leucine 1470 retained).
Molecular consequence: synonymous variant. On other transcripts: non-coding transcript variant (1).
Genome position (GRCh38, 1-based): chr11:17,395,173, G>A on the plus strand (C>T on the coding strand, the complement: ABCC8 is on the minus strand). VCF-style: chr11-17395173-G-A. GRCh37 (hg19) VCF-style: chr11-17416720-G-A.
Other names: c.4413C>T, p.Leu1471= (NM_001287174.3); c.4476C>T, p.Leu1492= (NM_001351295.2); c.4410C>T, p.Leu1470= (NM_001351296.2); c.4407C>T, p.Leu1469= (NM_001351297.2).
Identifiers: ClinVar variation 878824 (VCV000878824.30), dbSNP rs369810811, ClinGen allele CA5902484.
Genomic context (GRCh38, chr11:17,395,173, plus strand): 5'-CATCCTTACAGGGTCCTTGAGTGCCCAACCAACCCAGCTGCATAGCCAGGAGTAGTTACC[G>A]AGGCCTCCTGGCAGTGCCTTCACCACCAGCTTCAGCTGGGCGATTTCCAGGGCCTCCCAC-3'
Protein context (NP_000343.2, residues 1460-1480): KLVVKALPGG[Leu1470=]DAIITEGGEN

ClinVar aggregate classification (germline): Conflicting classifications of pathogenicity. Review status: criteria provided, conflicting classifications (1 of 4 stars). 8 submissions from 5 submitters: Uncertain significance (6); Likely benign (2). Last evaluated 2025-12-24.

Conditions:
Permanent neonatal diabetes mellitus (PNDM). Identifiers: Orphanet 99885, MedGen C1833104, MONDO:0100164, MONDO:0011643. Disease mechanism: gain of function.
Maturity-onset diabetes of the young (MODY). Also called: Maturity onset diabetes mellitus in young. Identifiers: Orphanet 552, MedGen C0342276, MONDO:0018911, HP:0004904.
Hyperinsulinemic hypoglycemia, familial, 1 (HHF1). Also called: Persistent hyperinsulinemic hypoglycemia of infancy; Persistent Hyperinsulinemia Hypoglycemia of Infancy; HYPERINSULINISM, FAMILIAL, WITH PANCREATIC NESIDIOBLASTOSIS; HYPOGLYCEMIA, HYPERINSULINEMIC, OF INFANCY; NESIDIOBLASTOSIS OF PANCREAS. Identifiers: Orphanet 276575, Orphanet 276598, MedGen C2931832, MONDO:0009734, OMIM 256450.
Diabetes mellitus, transient neonatal, 2 (TNDM2). Identifiers: Orphanet 99886, MedGen C1835887, MONDO:0012480, OMIM 610374. Disease mechanism: loss of function.
Inborn genetic diseases. Identifiers: MedGen C0950123, MeSH D030342.
Transitory neonatal diabetes mellitus. Also called: Transient neonatal diabetes mellitus. Identifiers: MedGen C0342273, MONDO:0020525, HP:0008255.

Allele frequency attached by ClinVar (database versions not stated): gnomAD exomes 0.00002 and 0.00003; gnomAD 0.00003; ExAC 0.00004; TOPMed 0.00007; ESP Exome Variant Server 0.00008.
gnomAD v4.1: 39 of 1,571,224 alleles (0.0025%); highest among the groups gnomAD compares: East Asian, 0.049%; no homozygotes.

Submissions (8):

Ambry Genetics
Classification: Likely benign for Inborn genetic diseases. Last evaluated: 2025-12-24. Review status: criteria provided, single submitter. Criteria: Ambry Variant Classification Scheme 2023. Collection method: clinical testing. Allele origin: germline.

Women's Health and Genetics/Laboratory Corporation of America, LabCorp
Classification: Uncertain significance. Last evaluated: 2025-06-24. Review status: criteria provided, single submitter. Criteria: LabCorp Variant Classification Summary - May 2015. Collection method: clinical testing. Allele origin: germline.
Comment: Variant summary: ABCC8 c.4410C>T (p.Leu1470Leu) alters a conserved nucleotide located close to a canonical splice site and therefore could affect mRNA splicing, leading to a significantly altered protein sequence. Consensus agreement among computation tools predict no significant impact on normal splicing. However, these predictions have yet to be confirmed by functional studies. The variant allele was found at a frequency of 3.2e-05 in 185776 control chromosomes. The available data on variant occurrences in the general population are insufficient to allow any conclusion about variant significance. To our knowledge, no occurrence of c.4410C>T in individuals affected with Familial Hyperinsulinism or other ABCC8-related disorders and no experimental evidence demonstrating its impact on protein function have been reported. ClinVar contains an entry for this variant (Variation ID: 878824). Based on the evidence outlined above, the variant was classified as uncertain significance.

CeGaT Center for Human Genetics Tuebingen
Classification: Likely benign. Last evaluated: 2023-10-01. Review status: criteria provided, single submitter. Criteria: CeGaT Center For Human Genetics Tuebingen Variant Classification Criteria Version 2. Collection method: clinical testing. Allele origin: germline. Affected: yes. Observed: 1 variant allele.
Comment: ABCC8: BP4, BP7

Illumina Laboratory Services, Illumina
Classification: Uncertain significance for Permanent neonatal diabetes mellitus 1. Last evaluated: 2018-01-12. Review status: criteria provided, single submitter. Criteria: ICSL Variant Classification Criteria 13 December 2019. Collection method: clinical testing. Allele origin: germline.

Illumina Laboratory Services, Illumina
Classification: Uncertain significance for Hyperinsulinemic hypoglycemia, familial, 1. Last evaluated: 2018-01-12. Review status: criteria provided, single submitter. Criteria: ICSL Variant Classification Criteria 13 December 2019. Collection method: clinical testing. Allele origin: germline.

Illumina Laboratory Services, Illumina
Classification: Uncertain significance for Diabetes mellitus, transient neonatal, 2. Last evaluated: 2018-01-12. Review status: criteria provided, single submitter. Criteria: ICSL Variant Classification Criteria 13 December 2019. Collection method: clinical testing. Allele origin: germline.

Clinical Genomics, Uppaluri K&H Personalized Medicine Clinic
Classification: Uncertain significance for Maturity-onset diabetes of the young. Review status: criteria provided, single submitter. Criteria: K & H Uppaluri Personalized Medicine Clinic Variant Classification & Assertion Criteria_Updated V.1. Collection method: research. Allele origin: somatic. Inheritance: Somatic mutation.
Comment: Mutations in ABCC8 gene are associated with both neonatal diabetes mellitus as well as MODY. Patients with this mutation may have a better response to sulfonylureas. However, no sufficient evidence is found to ascertain the role of this particular variant ( rs369810811) in MODY yet.

Clinical Genomics, Uppaluri K&H Personalized Medicine Clinic
Classification: Uncertain significance for Transitory neonatal diabetes mellitus. Review status: criteria provided, single submitter. Criteria: K & H Uppaluri Personalized Medicine Clinic Variant Classification & Assertion Criteria_Updated V.1. Collection method: research. Allele origin: somatic. Inheritance: Somatic mutation.
Comment: Mutations in ABCC8 gene are associated with both neonatal diabetes mellitus as well as MODY. Patients with this mutation may have a better response to sulfonylureas. However, no sufficient evidence is found to ascertain the role of this particular variant (rs369810811) in neonatal diabetes yet.

Literature cited by the submitters: PubMed 16885549 (cited by Clinical Genomics, Uppaluri K&H Personalized Medicine Clinic); PubMed 21989597 (cited by Clinical Genomics, Uppaluri K&H Personalized Medicine Clinic); PubMed 27538677 (cited by Clinical Genomics, Uppaluri K&H Personalized Medicine Clinic); PubMed 18981553 (cited by Clinical Genomics, Uppaluri K&H Personalized Medicine Clinic); PubMed 32027066 (cited by Clinical Genomics, Uppaluri K&H Personalized Medicine Clinic); PubMed 16613899 (cited by Clinical Genomics, Uppaluri K&H Personalized Medicine Clinic); PubMed 18025408 (cited by Clinical Genomics, Uppaluri K&H Personalized Medicine Clinic); PubMed 32792356 (cited by Clinical Genomics, Uppaluri K&H Personalized Medicine Clinic).